The following is an entry in ClinVar:

ClinVar aggregate classification (germline): Likely benign. Review status: criteria provided, multiple submitters, no conflicts (2 of 4 stars). 4 submissions from 4 submitters: Likely benign (4). Last evaluated 2025-11-22.

Conditions:
Familial cancer of breast. Also called: hereditary breast carcinoma; Hereditary breast cancer; BREAST CANCER, FAMILIAL. Identifiers: Orphanet 227535, MedGen C0346153, MONDO:0016419, OMIM 114480. Disease mechanism: loss of function.
Hereditary cancer-predisposing syndrome. Also called: Hereditary Cancer Syndrome; Hereditary neoplastic syndrome; Neoplastic Syndromes, Hereditary; Tumor predisposition. Identifiers: Orphanet 140162, MedGen C0027672, MeSH D009386, MONDO:0015356.

Allele frequency attached by ClinVar (database versions not stated): gnomAD exomes below 0.00001 and 0.00001; ExAC 0.00003.
gnomAD v4.1: 2 of 1,573,284 alleles (0.00013%); highest among the groups gnomAD compares: Non-Finnish European, 0.00017%; no homozygotes.

Submissions (4):

Labcorp Genetics (formerly Invitae), Labcorp
Classification: Likely benign for Familial cancer of breast. Last evaluated: 2025-11-22. Review status: criteria provided, single submitter. Criteria: Invitae Variant Classification Sherloc (09022015). Collection method: clinical testing. Allele origin: germline.

Myriad Genetics, Inc.
Classification: Likely benign for Familial cancer of breast. Last evaluated: 2025-01-10. Review status: criteria provided, single submitter. Criteria: Myriad Autosomal Dominant, Autosomal Recessive and X-Linked Classification Criteria (2023). Collection method: clinical testing. Allele origin: unknown.
Comment: This variant is considered likely benign. This variant is intronic and is not expected to impact mRNA splicing.

Color Diagnostics, LLC DBA Color Health
Classification: Likely benign for Hereditary cancer-predisposing syndrome. Last evaluated: 2019-04-30. Review status: criteria provided, single submitter. Criteria: ACMG Guidelines, 2015. Collection method: clinical testing. Allele origin: germline.

GeneDx
Classification: Likely benign. Last evaluated: 2016-04-28. Review status: criteria provided, single submitter. Criteria: GeneDx Variant Classification (06012015). Collection method: clinical testing. Allele origin: germline. Affected: yes.
Comment: This variant is considered likely benign or benign based on one or more of the following criteria: it is a conservative change, it occurs at a poorly conserved position in the protein, it is predicted to be benign by multiple in silico algorithms, and/or has population frequency not consistent with disease.

NM_024675.4(PALB2):c.212-7T>C

Gene: PALB2 (partner and localizer of BRCA2; minus strand). Cytogenetic location: 16p12.2.
Variant type: single nucleotide variant.
Coding change: c.212-7T>C on transcript NM_024675.4 (MANE Select); 7 bases into the intron before coding-DNA position 212, T replaced by C.
Molecular consequence: intron variant.
Genome position (GRCh38, 1-based): chr16:23,636,341, A>G on the plus strand (T>C on the coding strand, the complement: PALB2 is on the minus strand). VCF-style: chr16-23636341-A-G. GRCh37 (hg19) VCF-style: chr16-23647662-A-G.
Identifiers: ClinVar variation 385771 (VCV000385771.15), dbSNP rs755601819, ClinGen allele CA7963812.